The following is an entry in ClinVar:

NM_001873.4(CPE):c.169C>G (p.Pro57Ala)

Gene: CPE (carboxypeptidase E; plus strand). Cytogenetic location: 4q32.3.
Variant type: single nucleotide variant.
Coding change: c.169C>G on transcript NM_001873.4 (MANE Select); coding-DNA position 169, C replaced by G.
Protein change: p.Pro57Ala; replaces proline 57 with alanine.
Molecular consequence: missense variant.
Genome position (GRCh38, 1-based): chr4:165,379,390, C>G. VCF-style: chr4-165379390-C-G. GRCh37 (hg19) VCF-style: chr4-166300542-C-G.
Other names: short protein forms P57A.
Identifiers: ClinVar variation 4984962 (VCV004984962.1).
Genomic context (GRCh38, chr4:165,379,390, plus strand): 5'-ATGAGGCGGCGCCGGCGGCTGCAGCAAGAGGACGGCATCTCCTTCGAGTACCACCGCTAC[C>G]CCGAGCTGCGCGAGGCGCTCGTGTCCGTGTGGCTGCAGTGCACCGCCATCAGCAGGATTT-3'
Protein context (NP_001864.1, residues 47-67): DGISFEYHRY[Pro57Ala]ELREALVSVW

ClinVar aggregate classification (germline): Uncertain significance (1 of 4 stars; one submission).

Conditions:
CPE-related disorder. Also called: CPE-related condition.

gnomAD v4.1: 16 of 1,609,260 alleles (0.00099%); highest among the groups gnomAD compares: African/African-American, 0.0013%; no homozygotes.

Submission:

PreventionGenetics, part of Exact Sciences
Classification: Uncertain significance for CPE-related condition. Last evaluated: 2025-09-08. Review status: criteria provided, single submitter. Criteria: ACMG Guidelines, 2015. Collection method: clinical testing. Allele origin: germline.
Comment: The CPE c.169C>G variant is predicted to result in the amino acid substitution p.Pro57Ala. To our knowledge, this variant has not been reported in the literature or in a large population database (gnomAD), indicating this variant is rare. At this time, the clinical significance of this variant is uncertain due to the absence of conclusive functional and genetic evidence.